The following is an entry in ClinVar:

NM_000183.3(HADHB):c.583C>T (p.Arg195Ter)

Gene: HADHB (hydroxyacyl-CoA dehydrogenase trifunctional multienzyme complex subunit beta; plus strand). Cytogenetic location: 2p23.3.
Variant type: single nucleotide variant.
Coding change: c.583C>T on transcript NM_000183.3 (MANE Select); coding-DNA position 583, C replaced by T.
Protein change: p.Arg195Ter; replaces arginine 195 with a stop codon.
Molecular consequence: nonsense.
Genome position (GRCh38, 1-based): chr2:26,278,754, C>T. VCF-style: chr2-26278754-C-T. GRCh37 (hg19) VCF-style: chr2-26501622-C-T.
Other names: c.538C>T, p.Arg180Ter (NM_001281512.2); c.517C>T, p.Arg173Ter (NM_001281513.2); short protein forms R173*, R180*, R195*.
Identifiers: ClinVar variation 1526383 (VCV001526383.10), dbSNP rs552292698, ClinGen allele CA1560270.

ClinVar aggregate classification (germline): Pathogenic/Likely pathogenic. Review status: criteria provided, multiple submitters, no conflicts (2 of 4 stars). 6 submissions from 6 submitters: Pathogenic (2); Likely pathogenic (4). Last evaluated 2025-06-04.

Conditions:
Mitochondrial trifunctional protein deficiency 2 (MTPD2). Identifiers: MedGen C5830374, MONDO:0958185, OMIM 620300.
Mitochondrial trifunctional protein deficiency. Identifiers: Orphanet 746, MedGen C1969443, MONDO:0012172.

Allele frequency attached by ClinVar (database versions not stated): 1000 Genomes Project 30x 0.00016; 1000 Genomes Project 0.00020; gnomAD 0.00001; gnomAD exomes 0.00001; TOPMed below 0.00001; ExAC 0.00001.

Submissions (6):

Labcorp Genetics (formerly Invitae), Labcorp
Classification: Pathogenic for Mitochondrial trifunctional protein deficiency. Last evaluated: 2025-06-04. Review status: criteria provided, single submitter. Criteria: Invitae Variant Classification Sherloc (09022015). Collection method: clinical testing. Allele origin: germline.
Comment: This sequence change creates a premature translational stop signal (p.Arg195*) in the HADHB gene. It is expected to result in an absent or disrupted protein product. Loss-of-function variants in HADHB are known to be pathogenic (PMID: 9259266, 12754706). This variant is present in population databases (rs552292698, gnomAD 0.003%). This variant has not been reported in the literature in individuals affected with HADHB-related conditions. ClinVar contains an entry for this variant (Variation ID: 1526383). Algorithms developed to predict the effect of sequence changes on RNA splicing suggest that this variant may disrupt the consensus splice site. For these reasons, this variant has been classified as Pathogenic.

Baylor Genetics
Classification: Likely pathogenic for Mitochondrial trifunctional protein deficiency 1. Last evaluated: 2023-01-15. Review status: criteria provided, single submitter. Criteria: ACMG Guidelines, 2015. Collection method: clinical testing. Allele origin: unknown.

Department of Pathology and Laboratory Medicine, Sinai Health System
Classification: Likely pathogenic for Mitochondrial trifunctional protein deficiency 2. Last evaluated: 2022-11-21. Review status: criteria provided, single submitter. Criteria: ACMG Guidelines, 2015. Collection method: research. Allele origin: germline.

Women's Health and Genetics/Laboratory Corporation of America, LabCorp
Classification: Likely pathogenic for Mitochondrial trifunctional protein deficiency. Last evaluated: 2022-09-22. Review status: criteria provided, single submitter. Criteria: LabCorp Variant Classification Summary - May 2015. Collection method: clinical testing. Allele origin: germline.
Comment: Variant summary: HADHB c.583C>T (p.Arg195X) results in a premature termination codon, predicted to cause a truncation of the encoded protein or absence of the protein due to nonsense mediated decay, which are commonly known mechanisms for disease. Truncations downstream of this position have been classified as pathogenic in ClinVar and is associated with Mitochondrial Trifunctional Protein Deficiency in HGMD. The variant allele was found at a frequency of 8e-06 in 251486 control chromosomes (gnomAD). To our knowledge, no occurrence of c.583C>T in individuals affected with Mitochondrial Trifunctional Protein Deficiency and no experimental evidence demonstrating its impact on protein function have been reported. One clinical diagnostic laboratory has submitted clinical-significance assessments for this variant to ClinVar after 2014 and classified the variant as likely pathogenic. Based on the evidence outlined above, the variant was classified as likely pathogenic.

GeneDx
Classification: Likely pathogenic. Last evaluated: 2022-03-21. Review status: criteria provided, single submitter. Criteria: GeneDx Variant Classification Process June 2021. Collection method: clinical testing. Allele origin: germline. Affected: yes.
Comment: Nonsense variant predicted to result in protein truncation or nonsense mediated decay in a gene for which loss-of-function is a known mechanism of disease; Not observed at a significant frequency in large population cohorts (gnomAD); Has not been previously published as pathogenic or benign to our knowledge

Juno Genomics, Hangzhou Juno Genomics, Inc
Classification: Pathogenic for Mitochondrial trifunctional protein deficiency 2. Review status: criteria provided, single submitter. Criteria: ACMG Guidelines, 2015. Collection method: clinical testing. Allele origin: germline.
Comment: Absent from controls (or at extremely low frequency if recessive) in Genome Aggregation Database.;Null variant in a gene where loss of function (LOF) is a known mechanism of disease.;For recessive disorders, detected in trans with a pathogenic variant.;Patient's phenotype or family history is highly specific for a disease with a single genetic etiology.

Literature cited by the submitters: PubMed 9259266 (cited by Labcorp Genetics (formerly Invitae), Labcorp); PubMed 12754706 (cited by Labcorp Genetics (formerly Invitae), Labcorp).